The following is an entry in ClinVar:

ClinVar aggregate classification (germline): Uncertain significance (1 of 4 stars; one submission).

gnomAD v4.1: 1 of 1,209,575 alleles (0.000083%); highest among the groups gnomAD compares: African/African-American, 0.0017%; no homozygotes.

Submission:

GeneDx
Classification: Uncertain significance. Last evaluated: 2025-01-14. Review status: criteria provided, single submitter. Criteria: GeneDx Variant Classification Process June 2021. Collection method: clinical testing. Allele origin: germline. Affected: yes.
Comment: Not observed at significant frequency in large population cohorts (gnomAD); In silico analysis supports that this missense variant has a deleterious effect on protein structure/function; Has not been previously published as pathogenic or benign to our knowledge

NM_153252.5(BRWD3):c.2704A>G (p.Lys902Glu)

Gene: BRWD3 (bromodomain and WD repeat domain containing 3; minus strand). Cytogenetic location: Xq21.1.
Variant type: single nucleotide variant.
Coding change: c.2704A>G on transcript NM_153252.5 (MANE Select); coding-DNA position 2704, A replaced by G.
Protein change: p.Lys902Glu; replaces lysine 902 with glutamic acid.
Molecular consequence: missense variant.
Genome position (GRCh38, 1-based): chrX:80,704,695, T>C on the plus strand (A>G on the coding strand, the complement: BRWD3 is on the minus strand). VCF-style: chrX-80704695-T-C. GRCh37 (hg19) VCF-style: chrX-79960194-T-C.
Other names: short protein forms K902E.
Identifiers: ClinVar variation 4057190 (VCV004057190.1).